The following is an entry in ClinVar:

NM_024422.6(DSC2):c.1066A>T (p.Thr356Ser)

Gene: DSC2 (desmocollin 2; minus strand). Cytogenetic location: 18q12.1.
Variant type: single nucleotide variant.
Coding change: c.1066A>T on transcript NM_024422.6 (MANE Select); coding-DNA position 1066, A replaced by T.
Protein change: p.Thr356Ser; replaces threonine 356 with serine.
Molecular consequence: missense variant.
Genome position (GRCh38, 1-based): chr18:31,082,937, T>A on the plus strand (A>T on the coding strand, the complement: DSC2 is on the minus strand). VCF-style: chr18-31082937-T-A. GRCh37 (hg19) VCF-style: chr18-28662903-T-A.
Other names: c.1066A>T, p.Thr356Ser (NM_004949.5); short protein forms T356S.
Identifiers: ClinVar variation 1387550 (VCV001387550.6), dbSNP rs2144821078, ClinGen allele CA402110349.

ClinVar aggregate classification (germline): Uncertain significance (1 of 4 stars; one submission).

Conditions:
Arrhythmogenic right ventricular dysplasia 11. Also called: Arrhythmogenic right ventricular dysplasia 11 with mild palmoplantar keratoderma and woolly hair; Arrhythmogenic Right Ventricular Dysplasia/Cardiomyopathy11; ARRHYTHMOGENIC RIGHT VENTRICULAR DYSPLASIA, FAMILIAL, 11. Identifiers: MedGen C1864850, MONDO:0012506, OMIM 610476.

Submission:

Labcorp Genetics (formerly Invitae), Labcorp
Classification: Uncertain significance for Arrhythmogenic right ventricular dysplasia 11. Last evaluated: 2022-03-08. Review status: criteria provided, single submitter. Criteria: Invitae Variant Classification Sherloc (09022015). Collection method: clinical testing. Allele origin: germline.
Comment: In summary, the available evidence is currently insufficient to determine the role of this variant in disease. Therefore, it has been classified as a Variant of Uncertain Significance. This sequence change replaces threonine, which is neutral and polar, with serine, which is neutral and polar, at codon 356 of the DSC2 protein (p.Thr356Ser). This variant is not present in population databases (gnomAD no frequency). This variant has not been reported in the literature in individuals affected with DSC2-related conditions. Algorithms developed to predict the effect of missense changes on protein structure and function (SIFT, PolyPhen-2, Align-GVGD) all suggest that this variant is likely to be tolerated.